The following is an entry in ClinVar:

ClinVar aggregate classification (germline): Uncertain significance (1 of 4 stars; one submission).

Allele frequency attached by ClinVar (database versions not stated): gnomAD 0.00001 and 0.00002; TOPMed 0.00003.
gnomAD v4.1: 13 of 1,550,318 alleles (0.00084%); highest among the groups gnomAD compares: Admixed American, 0.022%; no homozygotes.

Submission:

Labcorp Genetics (formerly Invitae), Labcorp
Classification: Uncertain significance. Last evaluated: 2022-08-09. Review status: criteria provided, single submitter. Criteria: Invitae Variant Classification Sherloc (09022015). Collection method: clinical testing. Allele origin: germline.
Comment: This sequence change replaces serine, which is neutral and polar, with proline, which is neutral and non-polar, at codon 1897 of the OTOG protein (p.Ser1897Pro). This variant is present in population databases (no rsID available, gnomAD 0.03%). This variant has not been reported in the literature in individuals affected with OTOG-related conditions. ClinVar contains an entry for this variant (Variation ID: 1443054). Algorithms developed to predict the effect of missense changes on protein structure and function output the following: SIFT: "Tolerated"; PolyPhen-2: "Benign"; Align-GVGD: "Class C0". The proline amino acid residue is found in multiple mammalian species, which suggests that this missense change does not adversely affect protein function. In summary, the available evidence is currently insufficient to determine the role of this variant in disease. Therefore, it has been classified as a Variant of Uncertain Significance.

NM_001292063.2(OTOG):c.5653T>C (p.Ser1885Pro)

Gene: OTOG (otogelin; plus strand). Cytogenetic location: 11p15.1.
Variant type: single nucleotide variant.
Coding change: c.5653T>C on transcript NM_001292063.2 (MANE Select); coding-DNA position 5653, T replaced by C.
Protein change: p.Ser1885Pro; replaces serine 1885 with proline.
Molecular consequence: missense variant.
Genome position (GRCh38, 1-based): chr11:17,610,953, T>C. VCF-style: chr11-17610953-T-C. GRCh37 (hg19) VCF-style: chr11-17632500-T-C.
Other names: c.5689T>C, p.Ser1897Pro (NM_001277269.2); short protein forms S1897P, S1885P.
Identifiers: ClinVar variation 1443054 (VCV001443054.7), dbSNP rs923743309, ClinGen allele CA218476762.